The following is an entry in ClinVar:

NM_002831.6(PTPN6):c.9-6G>A

Gene: PTPN6 (protein tyrosine phosphatase non-receptor type 6; plus strand). Cytogenetic location: 12p13.31.
Variant type: single nucleotide variant.
Coding change: c.9-6G>A on transcript NM_002831.6 (MANE Select); 6 bases into the intron before coding-DNA position 9, G replaced by A.
Molecular consequence: intron variant.
Genome position (GRCh38, 1-based): chr12:6,951,603, G>A. VCF-style: chr12-6951603-G-A. GRCh37 (hg19) VCF-style: chr12-7060766-G-A.
Other names: c.15-6G>A (NM_080548.5); c.9-6G>A (NM_080549.4).
Identifiers: ClinVar variation 626002 (VCV000626002.8), dbSNP rs200900053, ClinGen allele CA6421456.

ClinVar aggregate classification (germline): Conflicting classifications of pathogenicity. Review status: criteria provided, conflicting classifications (1 of 4 stars). 2 submissions from 2 submitters: Uncertain significance (1); Benign (1). Last evaluated 2021-03-30.

Allele frequency attached by ClinVar (database versions not stated): 1000 Genomes Project 30x 0.00094; 1000 Genomes Project 0.00100; ESP Exome Variant Server 0.00171; gnomAD 0.00172 and 0.00214; gnomAD exomes 0.00185 and 0.00250; ExAC 0.00200; TOPMed 0.00201.
gnomAD v4.1: 3,995 of 1,613,900 alleles (0.25%); highest among the groups gnomAD compares: Non-Finnish European, 0.29%; 9 homozygotes.

Submissions (2):

Center for Genomics, Ann and Robert H. Lurie Children's Hospital of Chicago
Classification: Uncertain significance. Last evaluated: 2021-03-30. Review status: criteria provided, single submitter. Criteria: ACMG Guidelines, 2015. Collection method: clinical testing. Allele origin: germline.
Comment: This variant is present in 0.2% (69/30602) of South Asian alleles, including 1 homozygote in the Genome Aggregation Database. Evolutionary conservation and computational predictive tools for this variant are limited or unavailable. This variant is an intronic variant; splice prediction tools suggest that this variant may not affect splicing. However, further studies are needed to understand its impact. In summary, data on this variant is insufficient for disease classification. Therefore, the clinical significance of this variant is uncertain.

Labcorp Genetics (formerly Invitae), Labcorp
Classification: Benign. Last evaluated: 2019-12-31. Review status: criteria provided, single submitter. Criteria: Invitae Variant Classification Sherloc (09022015). Collection method: clinical testing. Allele origin: germline.